The following is an entry in ClinVar:

ClinVar aggregate classification (germline): Uncertain significance (1 of 4 stars; one submission).

Allele frequency attached by ClinVar (database versions not stated): ExAC 0.00001; gnomAD exomes 0.00001; gnomAD 0.00002 and 0.00003; TOPMed 0.00002; 1000 Genomes Project 0.00020; 1000 Genomes Project 30x 0.00031.
gnomAD v4.1: 14 of 1,612,644 alleles (0.00087%); highest among the groups gnomAD compares: Admixed American, 0.0033%; no homozygotes.

Submission:

Labcorp Genetics (formerly Invitae), Labcorp
Classification: Uncertain significance. Last evaluated: 2025-10-20. Review status: criteria provided, single submitter. Criteria: Invitae Variant Classification Sherloc (09022015). Collection method: clinical testing. Allele origin: germline.
Comment: This sequence change replaces tyrosine, which is neutral and polar, with cysteine, which is neutral and slightly polar, at codon 31 of the MYO5B protein (p.Tyr31Cys). This variant is present in population databases (rs527660873, gnomAD 0.003%). This variant has not been reported in the literature in individuals affected with MYO5B-related conditions. ClinVar contains an entry for this variant (Variation ID: 1481483). Invitae Evidence Modeling of protein sequence and biophysical properties (such as structural, functional, and spatial information, amino acid conservation, physicochemical variation, residue mobility, and thermodynamic stability) indicates that this missense variant is expected to disrupt MYO5B protein function with a positive predictive value of 80%. In summary, the available evidence is currently insufficient to determine the role of this variant in disease. Therefore, it has been classified as a Variant of Uncertain Significance.

NM_001080467.3(MYO5B):c.92A>G (p.Tyr31Cys)

Gene: MYO5B (myosin VB; minus strand). Cytogenetic location: 18q21.1.
Variant type: single nucleotide variant.
Coding change: c.92A>G on transcript NM_001080467.3 (MANE Select); coding-DNA position 92, A replaced by G.
Protein change: p.Tyr31Cys; replaces tyrosine 31 with cysteine.
Molecular consequence: missense variant.
Genome position (GRCh38, 1-based): chr18:50,055,314, T>C on the plus strand (A>G on the coding strand, the complement: MYO5B is on the minus strand). VCF-style: chr18-50055314-T-C. GRCh37 (hg19) VCF-style: chr18-47581684-T-C.
Other names: short protein forms Y31C.
Identifiers: ClinVar variation 1481483 (VCV001481483.8), dbSNP rs527660873, ClinGen allele CA8962023.